The following is an entry in ClinVar:

NM_001134707.2(SARDH):c.423G>C (p.Thr141=)

Gene: SARDH (sarcosine dehydrogenase; minus strand). Cytogenetic location: 9q34.2.
Variant type: single nucleotide variant.
Coding change: c.423G>C on transcript NM_001134707.2 (MANE Select); coding-DNA position 423, G replaced by C.
Protein change: p.Thr141=; no amino-acid change (threonine 141 retained).
Molecular consequence: synonymous variant.
Genome position (GRCh38, 1-based): chr9:133,732,510, C>G on the plus strand (G>C on the coding strand, the complement: SARDH is on the minus strand). VCF-style: chr9-133732510-C-G. GRCh37 (hg19) VCF-style: chr9-136597632-C-G.
Other names: c.423G>C, p.Thr141= (NM_007101.4).
Identifiers: ClinVar variation 3041012 (VCV003041012.2), dbSNP rs772086349, ClinGen allele CA467624642.

ClinVar aggregate classification (germline): Likely benign (0 of 4 stars; one submission).

Conditions:
SARDH-related disorder. Also called: SARDH-related condition.

Allele frequency attached by ClinVar (database versions not stated): gnomAD exomes below 0.00001; TOPMed below 0.00001; gnomAD 0.00001.
gnomAD v4.1: 7 of 1,613,682 alleles (0.00043%); highest among the groups gnomAD compares: East Asian, 0.0022%; no homozygotes.

Submission:

PreventionGenetics, part of Exact Sciences
Classification: Likely benign for SARDH-related condition. Last evaluated: 2019-09-26. Review status: no assertion criteria provided. Collection method: clinical testing. Allele origin: germline.
Comment: This variant is classified as likely benign based on ACMG/AMP sequence variant interpretation guidelines (Richards et al. 2015 PMID: 25741868, with internal and published modifications).